The following is an entry in ClinVar:

NM_000116.5(TAFAZZIN):c.281G>T (p.Arg94Leu)

Gene: TAFAZZIN (tafazzin, phospholipid-lysophospholipid transacylase; plus strand). Cytogenetic location: Xq28.
Variant type: single nucleotide variant.
Coding change: c.281G>T on transcript NM_000116.5 (MANE Select); coding-DNA position 281, G replaced by T.
Protein change: p.Arg94Leu; replaces arginine 94 with leucine.
Molecular consequence: missense variant. On other transcripts: non-coding transcript variant (1).
Genome position (GRCh38, 1-based): chrX:154,413,249, G>T. VCF-style: chrX-154413249-G-T. GRCh37 (hg19) VCF-style: chrX-153641586-G-T.
Other names: c.335G>T, p.Arg112Leu (NM_001303465.2); c.281G>T, p.Arg94Leu (NM_181311.4, NM_181312.4, NM_181313.4); short protein forms R94L, R112L.
Identifiers: ClinVar variation 403954 (VCV000403954.8), dbSNP rs1060500044, ClinGen allele CA16616656.

ClinVar aggregate classification (germline): Pathogenic/Likely pathogenic. Review status: criteria provided, multiple submitters, no conflicts (2 of 4 stars). 2 submissions from 2 submitters: Pathogenic (1); Likely pathogenic (1). Last evaluated 2020-07-08.

Conditions:
3-Methylglutaconic aciduria type 2 (BTHS). Also called: CARDIOSKELETAL MYOPATHY WITH NEUTROPENIA AND ABNORMAL MITOCHONDRIA; Barth syndrome. Identifiers: Orphanet 111, MedGen C0574083, MONDO:0010543, OMIM 302060.

Submissions (2):

Molecular Diagnostics Lab, Nemours Children's Health, Delaware
Classification: Likely pathogenic for 3-Methylglutaconic aciduria type 2. Last evaluated: 2020-07-08. Review status: criteria provided, single submitter. Criteria: ACMG Guidelines, 2015. Collection method: clinical testing. Allele origin: unknown. Inheritance: X-linked inheritance. Affected: yes. Observed: 1 hemizygote.

Labcorp Genetics (formerly Invitae), Labcorp
Classification: Pathogenic for 3-Methylglutaconic aciduria type 2. Last evaluated: 2018-08-28. Review status: criteria provided, single submitter. Criteria: Invitae Variant Classification Sherloc (09022015). Collection method: clinical testing. Allele origin: germline.
Comment: For these reasons, this variant has been classified as Pathogenic. Algorithms developed to predict the effect of missense changes on protein structure and function (SIFT, PolyPhen-2, Align-GVGD) all suggest that this variant is likely to be disruptive, but these predictions have not been confirmed by published functional studies. Two different missense substitution at this codon (p.Arg94His and p.Arg94Ser) have been determined to be pathogenic (PMID: 23656970, 16548007, 12032589, 23656970). This suggests that the arginine residue is critical for TAZ protein function and that other missense substitutions at this position may also be pathogenic. Furthermore, two additional variants of uncertain significance at this codon (p.Arg94Gly and p.Arg94Cys) have been observed in individuals with Barth syndrome (PMID: 20812380, 9345098). This variant is not present in population databases (ExAC no frequency). This sequence change replaces arginine with leucine at codon 94 of the TAZ protein (p.Arg94Leu). The arginine residue is highly conserved and there is a moderate physicochemical difference between arginine and leucine.

Literature cited by the submitters: PubMed 23656970 (cited by Labcorp Genetics (formerly Invitae), Labcorp); PubMed 16548007 (cited by Labcorp Genetics (formerly Invitae), Labcorp); PubMed 12032589 (cited by Labcorp Genetics (formerly Invitae), Labcorp); PubMed 20812380 (cited by Labcorp Genetics (formerly Invitae), Labcorp); PubMed 9345098 (cited by Labcorp Genetics (formerly Invitae), Labcorp).